The following is an entry in ClinVar:

NM_001289104.2(PRKCSH):c.176A>G (p.Lys59Arg)

Gene: PRKCSH (PRKCSH beta subunit of glucosidase II; plus strand). Cytogenetic location: 19p13.2.
Variant type: single nucleotide variant.
Coding change: c.176A>G on transcript NM_001289104.2 (MANE Select); coding-DNA position 176, A replaced by G.
Protein change: p.Lys59Arg; replaces lysine 59 with arginine.
Molecular consequence: missense variant.
Genome position (GRCh38, 1-based): chr19:11,436,485, A>G. VCF-style: chr19-11436485-A-G. GRCh37 (hg19) VCF-style: chr19-11547306-A-G.
Other names: c.176A>G, p.Lys59Arg (NM_001001329.3, NM_001289102.2, NM_001289103.2 and 3 more transcripts); short protein forms K59R.
Identifiers: ClinVar variation 890782 (VCV000890782.11), dbSNP rs112718886, ClinGen allele CA9212719.

ClinVar aggregate classification (germline): Benign/Likely benign. Review status: criteria provided, multiple submitters, no conflicts (2 of 4 stars). 2 submissions from 2 submitters: Benign (1); Likely benign (1). Last evaluated 2024-08-29.

Conditions:
Polycystic liver disease 1 (PCLD1). Also called: Polycystic liver disease 1 with or without kidney cysts. Identifiers: Orphanet 2924, MedGen C0887850, MONDO:0008265, OMIM 174050.

Allele frequency attached by ClinVar (database versions not stated): gnomAD 0.00072 and 0.00076; gnomAD exomes 0.00005 and 0.00015; ExAC 0.00016; 1000 Genomes Project 30x 0.00078; 1000 Genomes Project 0.00080; TOPMed 0.00085; ESP Exome Variant Server 0.00100.
gnomAD v4.1: 184 of 1,613,982 alleles (0.011%); highest among the groups gnomAD compares: African/African-American, 0.21%; 1 homozygote.

Submissions (2):

Labcorp Genetics (formerly Invitae), Labcorp
Classification: Likely benign. Last evaluated: 2024-08-29. Review status: criteria provided, single submitter. Criteria: Invitae Variant Classification Sherloc (09022015). Collection method: clinical testing. Allele origin: germline.

Illumina Laboratory Services, Illumina
Classification: Benign for Polycystic liver disease 1. Last evaluated: 2018-01-13. Review status: criteria provided, single submitter. Criteria: ICSL Variant Classification Criteria 13 December 2019. Collection method: clinical testing. Allele origin: germline.
Comment: This variant was observed in the ICSL laboratory as part of a predisposition screen in an ostensibly healthy population. It had not been previously curated by ICSL or reported in the Human Gene Mutation Database (HGMD: prior to June 1st, 2018), and was therefore a candidate for classification through an automated scoring system. Utilizing variant allele frequency, disease prevalence and penetrance estimates, and inheritance mode, an automated score was calculated to assess if this variant is too frequent to cause the disease. Based on the score and internal cut-off values, a variant classified as benign is not then subjected to further curation. The score for this variant resulted in a classification of benign for this disease.